The following is an entry in ClinVar:

NM_152419.3(HGSNAT):c.1209G>T (p.Trp403Cys)

Gene: HGSNAT (heparan-alpha-glucosaminide N-acetyltransferase; plus strand). Cytogenetic location: 8p11.21.
Variant type: single nucleotide variant.
Coding change: c.1209G>T on transcript NM_152419.3 (MANE Select); coding-DNA position 1209, G replaced by T.
Protein change: p.Trp403Cys; replaces tryptophan 403 with cysteine.
Molecular consequence: missense variant.
Genome position (GRCh38, 1-based): chr8:43,191,554, G>T. VCF-style: chr8-43191554-G-T. GRCh37 (hg19) VCF-style: chr8-43046697-G-T.
Other names: c.1209G>T, p.Trp403Cys (NM_001363227.2); c.1017G>T, p.Trp339Cys (NM_001363228.2); c.345G>T, p.Trp115Cys (NM_001363229.2); short protein forms W403C, W115C, W339C.
Identifiers: ClinVar variation 208817 (VCV000208817.8), dbSNP rs764206492, ClinGen allele CA358353.
Genomic context (GRCh38, chr8:43,191,554, plus strand): 5'-TCGAGACATCACGTCCAGCTGGCCCCAGTGGCTGCTCATCCTGGTGCTGGAAGGCCTGTG[G>T]CTGGGCTTGACATTCCTCCTGCCAGTCCCTGGGTGCCCTACGTAAGCGAACCCCTGGGGG-3'
Protein context (NP_689632.2, residues 393-413): WLLILVLEGL[Trp403Cys]LGLTFLLPVP

ClinVar aggregate classification (germline): Uncertain significance. Review status: criteria provided, multiple submitters, no conflicts (2 of 4 stars). 6 submissions from 6 submitters: Uncertain significance (4). 2 of the submissions do not count toward it. Last evaluated 2025-03-17.

Conditions:
HGSNAT-related disorder. Also called: HGSNAT-related condition.
Mucopolysaccharidosis, MPS-III-C (MPS3C). Also called: SANFILIPPO SYNDROME C; MPS III C; mucopolysaccharidosis type 3C; MUCOPOLYSACCHARIDOSIS, TYPE IIIC; MPS IIIC (Sanfilippo Syndrome Type C); Mucopolysaccharidosis type IIIC (Sanfilippo C). Identifiers: Orphanet 581, Orphanet 79271, MedGen C0086649, MONDO:0009657, OMIM 252930.
Retinitis pigmentosa 73 (RP73). Identifiers: Orphanet 791, MedGen C4225287, MONDO:0014687, OMIM 616544.

Allele frequency attached by ClinVar (database versions not stated): gnomAD exomes 0.00004 and 0.00001; gnomAD 0.00002; ExAC 0.00001; TOPMed 0.00002.
gnomAD v4.1: 63 of 1,613,882 alleles (0.0039%); highest among the groups gnomAD compares: Non-Finnish European, 0.005%; no homozygotes.

Submissions (6):

Labcorp Genetics (formerly Invitae), Labcorp
Classification: Uncertain significance for Retinitis pigmentosa 73; Mucopolysaccharidosis, MPS-III-C. Last evaluated: 2025-03-17. Review status: criteria provided, single submitter. Criteria: Invitae Variant Classification Sherloc (09022015). Collection method: clinical testing. Allele origin: germline.
Comment: This sequence change replaces tryptophan, which is neutral and slightly polar, with cysteine, which is neutral and slightly polar, at codon 403 of the HGSNAT protein (p.Trp403Cys). This variant is present in population databases (rs764206492, gnomAD 0.004%). This missense change has been observed in individual(s) with Mucopolysaccharidosis IIIC (PMID: 17033958, 31228227). This variant is also known as W431C. ClinVar contains an entry for this variant (Variation ID: 208817). Invitae Evidence Modeling of protein sequence and biophysical properties (such as structural, functional, and spatial information, amino acid conservation, physicochemical variation, residue mobility, and thermodynamic stability) has been performed for this missense variant. However, the output from this modeling did not meet the statistical confidence thresholds required to predict the impact of this variant on HGSNAT protein function. Experimental studies have shown that this missense change affects HGSNAT function (PMID: 19823584, 20583299). In summary, the available evidence is currently insufficient to determine the role of this variant in disease. Therefore, it has been classified as a Variant of Uncertain Significance.

PreventionGenetics, part of Exact Sciences
Classification: Uncertain significance for HGSNAT-related condition. Last evaluated: 2023-06-06. Review status: criteria provided, single submitter. Criteria: ACMG Guidelines, 2015. Collection method: clinical testing. Allele origin: germline.
Comment: The HGSNAT c.1209G>T variant is predicted to result in the amino acid substitution p.Trp403Cys. To our knowledge, this variant has always been reported in cis with HGSNAT c.1843G>A (p.Trp403Cys). This haplotype was reported in the homozygous state in patients with Mucopolysaccharidosis IIIC (MPSIIIC) (Hrebicek et al. 2006. PubMed ID: 17033958, reported as p.[W431C;A643T]; Feldhammer et al. 2009. PubMed ID: 19823584). Functional studies indicated that the p.Trp403Cys variant had a >50% reduction in activity when expressed alone and resulted in complete loss of activity when expressed as a haplotype in combination with p.Ala615Thr (Fedele et al. 2010. PubMed ID: 20583299). This variant is reported in 0.0041% of alleles in individuals of African descent in gnomAD. Although we suspect that this variant may be pathogenic, at this time, the clinical significance of this variant is uncertain due to the absence of conclusive functional and genetic evidence.

Fulgent Genetics
Classification: Uncertain significance for Mucopolysaccharidosis, MPS-III-C; Retinitis pigmentosa 73. Last evaluated: 2022-03-08. Review status: criteria provided, single submitter. Criteria: ACMG Guidelines, 2015. Collection method: clinical testing. Allele origin: unknown.

Blueprint Genetics
Classification: Uncertain significance. Last evaluated: 2021-07-19. Review status: criteria provided, single submitter. Criteria: ACMG Guidelines, 2015. Collection method: clinical testing. Allele origin: germline.

Counsyl
Classification: Uncertain significance for Mucopolysaccharidosis, MPS-III-C. Last evaluated: 2017-04-04. Review status: no assertion criteria provided. Collection method: clinical testing. Allele origin: unknown. Not counted in ClinVar's aggregate classification.

OMIM
Classification: Pathogenic for MUCOPOLYSACCHARIDOSIS, TYPE IIIC. Last evaluated: 2006-11-01. Review status: no assertion criteria provided. Collection method: literature only. Allele origin: germline. Not counted in ClinVar's aggregate classification.

Literature cited by the submitters: PubMed 17033958 (cited by 3 submitters); PubMed 31228227 (cited by Labcorp Genetics (formerly Invitae), Labcorp); PubMed 19823584 (cited by Labcorp Genetics (formerly Invitae), Labcorp and Counsyl); PubMed 20583299 (cited by Labcorp Genetics (formerly Invitae), Labcorp and Counsyl).